The following is an entry in ClinVar:

NM_172107.4(KCNQ2):c.1024-6C>G

Gene: KCNQ2 (potassium voltage-gated channel subfamily Q member 2; minus strand). Cytogenetic location: 20q13.33.
Variant type: single nucleotide variant.
Coding change: c.1024-6C>G on transcript NM_172107.4 (MANE Select); 6 bases into the intron before coding-DNA position 1024, C replaced by G.
Molecular consequence: intron variant.
Genome position (GRCh38, 1-based): chr20:63,433,909, G>C on the plus strand (C>G on the coding strand, the complement: KCNQ2 is on the minus strand). VCF-style: chr20-63433909-G-C. GRCh37 (hg19) VCF-style: chr20-62065262-G-C.
Other names: c.1024-6C>G (NM_004518.6, NM_172108.5, NM_172106.3 and 1 more transcripts).
Identifiers: ClinVar variation 205832 (VCV000205832.5), dbSNP rs796052608, ClinGen allele CA315291.

ClinVar aggregate classification (germline): Likely benign. Review status: criteria provided, multiple submitters, no conflicts (2 of 4 stars). 2 submissions from 2 submitters: Likely benign (2). Last evaluated 2024-08-29.

Conditions:
Early-infantile DEE. Also called: Ohtahara syndrome; Early infantile epileptic encephalopathy; Early infantile epileptic encephalopathy with suppression bursts. Identifiers: Orphanet 1934, MedGen C0393706, MONDO:0800491.

gnomAD v4.1: 3 of 1,613,030 alleles (0.00019%); highest among the groups gnomAD compares: African/African-American, 0.004%; no homozygotes.

Submissions (2):

Labcorp Genetics (formerly Invitae), Labcorp
Classification: Likely benign for Early-infantile DEE. Last evaluated: 2024-08-29. Review status: criteria provided, single submitter. Criteria: Invitae Variant Classification Sherloc (09022015). Collection method: clinical testing. Allele origin: germline.

GeneDx
Classification: Likely benign. Last evaluated: 2015-01-08. Review status: criteria provided, single submitter. Criteria: GeneDx Variant Classification (06012015). Collection method: clinical testing. Allele origin: germline. Affected: yes.
Comment: This variant is considered likely benign or benign based on one or more of the following criteria: it is a conservative change, it occurs at a poorly conserved position in the protein, it is predicted to be benign by multiple in silico algorithms, and/or has population frequency not consistent with disease.